The following is an entry in ClinVar:

NM_000465.4(BARD1):c.1271G>T (p.Arg424Ile)

Gene: BARD1 (BRCA1 associated RING domain 1; minus strand). Cytogenetic location: 2q35.
Variant type: single nucleotide variant.
Coding change: c.1271G>T on transcript NM_000465.4 (MANE Select); coding-DNA position 1271, G replaced by T.
Protein change: p.Arg424Ile; replaces arginine 424 with isoleucine.
Molecular consequence: missense variant. On other transcripts: non-coding transcript variant (2), intron variant (3).
Genome position (GRCh38, 1-based): chr2:214,780,603, C>A on the plus strand (G>T on the coding strand, the complement: BARD1 is on the minus strand). VCF-style: chr2-214780603-C-A. GRCh37 (hg19) VCF-style: chr2-215645327-C-A.
Other names: c.1271G>T (NM_000465.2); c.1214G>T, p.Arg405Ile (NM_001282543.2); c.159-28048G>T (NM_001282548.2); c.215+16458G>T (NM_001282545.2); c.364+11694G>T (NM_001282549.2); short protein forms R424I, R405I.
Identifiers: ClinVar variation 646806 (VCV000646806.10), dbSNP rs1559423360, ClinGen allele CA350453459.
Genomic context (GRCh38, chr2:214,780,603, plus strand): 5'-CAGAGTAAGCATCCTACCTTAATAGAAGCAATATGGAGCAAAGTCTCTCCTCTATGATTT[C>A]TTTTCACAGCCATATTGGGCAACAGCTTCATTGCTGAGGGACTAGACATCACTCGCCTGT-3'
Protein context (NP_000456.2, residues 414-434): MKLLPNMAVK[Arg424Ile]NHRGETLLHI

ClinVar aggregate classification (germline): Uncertain significance. Review status: criteria provided, multiple submitters, no conflicts (2 of 4 stars). 2 submissions from 2 submitters: Uncertain significance (2). Last evaluated 2026-07-26.

Conditions:
Hereditary cancer-predisposing syndrome. Also called: Neoplastic Syndromes, Hereditary; Hereditary Cancer Syndrome; Hereditary neoplastic syndrome; Tumor predisposition. Identifiers: Orphanet 140162, MedGen C0027672, MeSH D009386, MONDO:0015356.
Familial cancer of breast. Also called: hereditary breast carcinoma; BREAST CANCER, FAMILIAL; Hereditary breast cancer. Identifiers: Orphanet 227535, MedGen C0346153, MONDO:0016419, OMIM 114480. Disease mechanism: loss of function.

gnomAD v4.1: 1 of 1,614,030 alleles (0.000062%); highest among the groups gnomAD compares: Admixed American, 0.0017%; no homozygotes.

Submissions (2):

Ambry Genetics
Classification: Uncertain significance for Hereditary cancer-predisposing syndrome. Last evaluated: 2026-07-26. Review status: criteria provided, single submitter. Criteria: Ambry Variant Classification Scheme 2023. Collection method: clinical testing. Allele origin: germline.
Comment: The p.R424I variant (also known as c.1271G>T), located in coding exon 4 of the BARD1 gene, results from a G to T substitution at nucleotide position 1271. The arginine at codon 424 is replaced by isoleucine, an amino acid with similar properties. This amino acid position is conserved. In addition, the in silico prediction for this alteration is inconclusive. Based on the available evidence, the clinical significance of this variant remains unclear.

Labcorp Genetics (formerly Invitae), Labcorp
Classification: Uncertain significance for Familial cancer of breast. Last evaluated: 2018-08-27. Review status: criteria provided, single submitter. Criteria: Invitae Variant Classification Sherloc (09022015). Collection method: clinical testing. Allele origin: germline.
Comment: This sequence change replaces arginine with isoleucine at codon 424 of the BARD1 protein (p.Arg424Ile). The arginine residue is highly conserved and there is a moderate physicochemical difference between arginine and isoleucine. This variant is not present in population databases (ExAC no frequency). This variant has not been reported in the literature in individuals with BARD1-related disease. Algorithms developed to predict the effect of missense changes on protein structure and function (SIFT, PolyPhen-2, Align-GVGD) all suggest that this variant is likely to be disruptive, but these predictions have not been confirmed by published functional studies and their clinical significance is uncertain. In summary, the available evidence is currently insufficient to determine the role of this variant in disease. Therefore, it has been classified as a Variant of Uncertain Significance.